The following is an entry in ClinVar:

ClinVar aggregate classification (germline): Uncertain significance (1 of 4 stars; one submission).

Conditions:
Inborn genetic diseases. Identifiers: MedGen C0950123, MeSH D030342.

gnomAD v4.1: 2 of 1,614,032 alleles (0.00012%); highest among the groups gnomAD compares: Non-Finnish European, 0.00017%; no homozygotes.

Submission:

Ambry Genetics
Classification: Uncertain significance for Inborn genetic diseases. Last evaluated: 2026-09-12. Review status: criteria provided, single submitter. Criteria: Ambry Variant Classification Scheme 2023. Collection method: clinical testing. Allele origin: germline.
Comment: The p.G200W variant (also known as c.598G>T), located in coding exon 5 of the G6PC3 gene, results from a G to T substitution at nucleotide position 598. The glycine at codon 200 is replaced by tryptophan, an amino acid with highly dissimilar properties. This amino acid position is conserved. In addition, the in silico prediction for this alteration is inconclusive. Based on the available evidence, the clinical significance of this variant remains unclear.

NM_138387.4(G6PC3):c.598G>T (p.Gly200Trp)

Gene: G6PC3 (glucose-6-phosphatase catalytic subunit 3; plus strand). Cytogenetic location: 17q21.31.
Variant type: single nucleotide variant.
Coding change: c.598G>T on transcript NM_138387.4 (MANE Select); coding-DNA position 598, G replaced by T.
Protein change: p.Gly200Trp; replaces glycine 200 with tryptophan.
Molecular consequence: missense variant.
Genome position (GRCh38, 1-based): chr17:44,075,372, G>T. VCF-style: chr17-44075372-G-T. GRCh37 (hg19) VCF-style: chr17-42152740-G-T.
Other names: c.479G>T, p.Trp160Leu (NM_001319945.2); c.253G>T, p.Gly85Trp (NM_001384165.1, NM_001384166.1, NM_001384167.1 and 1 more transcripts); short protein forms G200W, G85W, W160L.
Identifiers: ClinVar variation 5022106 (VCV005022106.1).
Genomic context (GRCh38, chr17:44,075,372, plus strand): 5'-GCTGTCCTGGGCTGGCTGATGACTCCCCGAGTGCCTATGGAGCGGGAGCTAAGCTTCTAT[G>T]GGTTGACTGCACTGGCCCTCATGCTAGGCACCAGCCTCATCTATTGGACCCTCTTTACAC-3'
Protein context (NP_612396.1, residues 190-210): VPMERELSFY[Gly200Trp]LTALALMLGT